The following is an entry in ClinVar:

ClinVar aggregate classification (germline): Conflicting classifications of pathogenicity. Review status: criteria provided, conflicting classifications (1 of 4 stars). 2 submissions from 2 submitters: Uncertain significance (1); Benign (1). Last evaluated 2024-03-20.

Allele frequency attached by ClinVar (database versions not stated): gnomAD exomes below 0.00001 and 0.00001; ExAC 0.00001.
gnomAD v4.1: 5 of 1,601,400 alleles (0.00031%); highest among the groups gnomAD compares: Admixed American, 0.0033%; no homozygotes.

Submissions (2):

Labcorp Genetics (formerly Invitae), Labcorp
Classification: Benign. Last evaluated: 2024-03-20. Review status: criteria provided, single submitter. Criteria: Invitae Variant Classification Sherloc (09022015). Collection method: clinical testing. Allele origin: germline.

GeneDx
Classification: Uncertain significance. Last evaluated: 2023-06-27. Review status: criteria provided, single submitter. Criteria: GeneDx Variant Classification Process June 2021. Collection method: clinical testing. Allele origin: germline. Affected: yes.
Comment: In silico analysis supports that this missense variant has a deleterious effect on protein structure/function; Has not been previously published as pathogenic or benign to our knowledge

NM_130837.3(OPA1):c.464C>T (p.Ala155Val)

Gene: OPA1 (OPA1 mitochondrial dynamin like GTPase; plus strand). Cytogenetic location: 3q29.
Variant type: single nucleotide variant.
Coding change: c.464C>T on transcript NM_130837.3 (MANE Select); coding-DNA position 464, C replaced by T.
Protein change: p.Ala155Val; replaces alanine 155 with valine.
Molecular consequence: missense variant. On other transcripts: intron variant (5).
Genome position (GRCh38, 1-based): chr3:193,617,193, C>T. VCF-style: chr3-193617193-C-T. GRCh37 (hg19) VCF-style: chr3-193334982-C-T.
Other names: c.464C>T (NM_015560.2); c.92C>T, p.Ala31Val (NM_001354664.2); c.464C>T, p.Ala155Val (NM_015560.3, NM_130834.3, NM_130836.3); c.76+1423C>T (NM_001354663.2); c.449-591C>T (NM_130835.3, NM_130832.3); c.448+1423C>T (NM_130833.3, NM_130831.3); short protein forms A155V, A31V.
Identifiers: ClinVar variation 1510419 (VCV001510419.8), dbSNP rs751318725, ClinGen allele CA2759029.